The following is an entry in ClinVar:

NM_001852.4(COL9A2):c.1223A>G (p.Lys408Arg)

Gene: COL9A2 (collagen type IX alpha 2 chain; minus strand). Cytogenetic location: 1p34.2.
Variant type: single nucleotide variant.
Coding change: c.1223A>G on transcript NM_001852.4 (MANE Select); coding-DNA position 1223, A replaced by G.
Protein change: p.Lys408Arg; replaces lysine 408 with arginine.
Molecular consequence: missense variant.
Genome position (GRCh38, 1-based): chr1:40,304,384, T>C on the plus strand (A>G on the coding strand, the complement: COL9A2 is on the minus strand). VCF-style: chr1-40304384-T-C. GRCh37 (hg19) VCF-style: chr1-40770056-T-C.
Other names: short protein forms K408R.
Identifiers: ClinVar variation 4232626 (VCV004232626.2).

ClinVar aggregate classification (germline): Uncertain significance. Review status: criteria provided, multiple submitters, no conflicts (2 of 4 stars). 2 submissions from 2 submitters: Uncertain significance (2). Last evaluated 2026-02-10.

Conditions:
Inborn genetic diseases. Identifiers: MedGen C0950123, MeSH D030342.

Submissions (2):

GeneDx
Classification: Uncertain significance. Last evaluated: 2026-02-10. Review status: criteria provided, single submitter. Criteria: GeneDx Variant Classification Process June 2021. Collection method: clinical testing. Allele origin: germline.
Comment: Not observed at significant frequency in large population cohorts (gnomAD); In silico analysis suggests that this missense variant does not alter protein structure/function; Has not been previously published as pathogenic or benign to our knowledge

Ambry Genetics
Classification: Uncertain significance for Inborn genetic diseases. Last evaluated: 2025-09-11. Review status: criteria provided, single submitter. Criteria: Ambry Variant Classification Scheme 2023. Collection method: clinical testing. Allele origin: germline.